The following is an entry in ClinVar:

ClinVar aggregate classification (germline): Conflicting classifications of pathogenicity. Review status: criteria provided, conflicting classifications (1 of 4 stars). 3 submissions from 3 submitters: Uncertain significance (2); Likely benign (1). Last evaluated 2025-02-03.

Conditions:
Hereditary cancer-predisposing syndrome. Also called: Neoplastic Syndromes, Hereditary; Tumor predisposition; Hereditary Cancer Syndrome; Hereditary neoplastic syndrome. Identifiers: Orphanet 140162, MedGen C0027672, MeSH D009386, MONDO:0015356.
Hereditary breast ovarian cancer syndrome. Also called: Hereditary breast and ovarian cancer; Hereditary breast and ovarian cancer syndrome (HBOC); BRCA1- and BRCA2-Associated Hereditary Breast and Ovarian Cancer; Hereditary breast and ovarian cancer syndrome; Hereditary breast and/or ovarian cancer syndrome; Breast and ovarian cancer. Identifiers: Orphanet 145, MedGen C0677776, MeSH D061325, MONDO:0003582. Disease mechanism: loss of function.

Submissions (3):

Ambry Genetics
Classification: Uncertain significance for Hereditary cancer-predisposing syndrome. Last evaluated: 2025-02-03. Review status: criteria provided, single submitter. Criteria: Ambry Variant Classification Scheme 2023. Collection method: clinical testing. Allele origin: germline.
Comment: The p.G1696R variant (also known as c.5086G>A), located in coding exon 10 of the BRCA2 gene, results from a G to A substitution at nucleotide position 5086. The glycine at codon 1696 is replaced by arginine, an amino acid with dissimilar properties. This amino acid position is not well conserved in available vertebrate species. In addition, the in silico prediction for this alteration is inconclusive. Since supporting evidence is limited at this time, the clinical significance of this alteration remains unclear.

University of Washington Department of Laboratory Medicine, University of Washington
Classification: Likely benign for Hereditary cancer-predisposing syndrome. Last evaluated: 2023-03-23. Review status: criteria provided, single submitter. Criteria: Dines et al. (Genet Med. 2020). Collection method: curation. Allele origin: germline.
Comment: Missense variant in a coldspot region where missense variants are very unlikely to be pathogenic (PMID:31911673).

BRCA2 exon 11 coldspot. Reclassification based on statistical prior probability.

Labcorp Genetics (formerly Invitae), Labcorp
Classification: Uncertain significance for Hereditary breast ovarian cancer syndrome. Last evaluated: 2020-12-31. Review status: criteria provided, single submitter. Criteria: Invitae Variant Classification Sherloc (09022015). Collection method: clinical testing. Allele origin: germline.
Comment: This variant is not present in population databases (ExAC no frequency). In summary, the available evidence is currently insufficient to determine the role of this variant in disease. Therefore, it has been classified as a Variant of Uncertain Significance. Algorithms developed to predict the effect of missense changes on protein structure and function are either unavailable or do not agree on the potential impact of this missense change (SIFT: "Tolerated"; PolyPhen-2: "Probably Damaging"; Align-GVGD: "Class C0"). This variant has not been reported in the literature in individuals with BRCA2-related disease. This sequence change replaces glycine with arginine at codon 1696 of the BRCA2 protein (p.Gly1696Arg). The glycine residue is weakly conserved and there is a moderate physicochemical difference between glycine and arginine.

NM_000059.4(BRCA2):c.5086G>A (p.Gly1696Arg)

Gene: BRCA2 (BRCA2 DNA repair associated; plus strand). Cytogenetic location: 13q13.1.
Variant type: single nucleotide variant.
Coding change: c.5086G>A on transcript NM_000059.4 (MANE Select); coding-DNA position 5086, G replaced by A.
Protein change: p.Gly1696Arg; replaces glycine 1696 with arginine.
Molecular consequence: missense variant.
Genome position (GRCh38, 1-based): chr13:32,339,441, G>A. VCF-style: chr13-32339441-G-A. GRCh37 (hg19) VCF-style: chr13-32913578-G-A.
Other names: short protein forms G1696R.
Identifiers: ClinVar variation 638864 (VCV000638864.15), dbSNP rs1593904356, ClinGen allele CA387784089.